The following is an entry in ClinVar:

ClinVar aggregate classification (germline): Pathogenic (1 of 4 stars; one submission).

Conditions:
Mowat-Wilson syndrome (MOWS). Also called: Classic Mowat-Wilson Syndrome. Identifiers: Orphanet 2152, MedGen C1856113, MONDO:0009341, OMIM 235730.

Submission:

Labcorp Genetics (formerly Invitae), Labcorp
Classification: Pathogenic for Mowat-Wilson syndrome. Last evaluated: 2024-07-15. Review status: criteria provided, single submitter. Criteria: Invitae Variant Classification Sherloc (09022015). Collection method: clinical testing. Allele origin: germline.
Comment: This sequence change creates a premature translational stop signal (p.Thr1007Aspfs*12) in the ZEB2 gene. While this is not anticipated to result in nonsense mediated decay, it is expected to disrupt the last 208 amino acid(s) of the ZEB2 protein. This variant is not present in population databases (gnomAD no frequency). This variant has not been reported in the literature in individuals affected with ZEB2-related conditions. This variant disrupts a region of the ZEB2 protein in which other variant(s) (p.Gln1119Arg) have been determined to be pathogenic (PMID: 16688751). This suggests that this is a clinically significant region of the protein, and that variants that disrupt it are likely to be disease-causing. For these reasons, this variant has been classified as Pathogenic.

Literature cited by the submitters: PubMed 16688751.

NM_014795.4(ZEB2):c.3018dup (p.Thr1007fs)

Gene: ZEB2 (zinc finger E-box binding homeobox 2; minus strand). Cytogenetic location: 2q22.3.
Variant type: Duplication.
Coding change: c.3018dup on transcript NM_014795.4 (MANE Select); coding-DNA position 3018, one base duplicated (G; older notation c.3018dupG).
Protein change: p.Thr1007fs; shifts the reading frame from threonine 1007.
Molecular consequence: frameshift variant.
Genome position (GRCh38, 1-based): chr2:144,396,461, C duplicated on the plus strand (G on the coding strand, the reverse complement: ZEB2 is on the minus strand). VCF-style (leftmost placement, unchanged base first): chr2-144396460-T-TC. GRCh37 (hg19) VCF-style: chr2-145154027-T-TC.
Other names: c.2946dup, p.Thr983fs (NM_001171653.2); short protein forms T983fs, T1007fs.
Identifiers: ClinVar variation 3658890 (VCV003658890.2).